The following is an entry in ClinVar:

NM_018718.3(CEP41):c.305A>G (p.Asp102Gly)

Gene: CEP41 (centrosomal protein 41; minus strand). Cytogenetic location: 7q32.2.
Variant type: single nucleotide variant.
Coding change: c.305A>G on transcript NM_018718.3 (MANE Select); coding-DNA position 305, A replaced by G.
Protein change: p.Asp102Gly; replaces aspartic acid 102 with glycine.
Molecular consequence: missense variant. On other transcripts: non-coding transcript variant (1).
Genome position (GRCh38, 1-based): chr7:130,404,681, T>C on the plus strand (A>G on the coding strand, the complement: CEP41 is on the minus strand). VCF-style: chr7-130404681-T-C. GRCh37 (hg19) VCF-style: chr7-130044522-T-C.
Other names: c.305A>G, p.Asp102Gly (NM_001257158.2); c.257A>G, p.Asp86Gly (NM_001257159.2); short protein forms D102G, D86G.
Identifiers: ClinVar variation 1053163 (VCV001053163.7), dbSNP rs781835148, ClinGen allele CA4485607.

ClinVar aggregate classification (germline): Uncertain significance. Review status: criteria provided, multiple submitters, no conflicts (2 of 4 stars). 2 submissions from 2 submitters: Uncertain significance (2). Last evaluated 2025-11-17.

Conditions:
Joubert syndrome 15 (JBTS15). Identifiers: Orphanet 475, MedGen C3280897, MONDO:0013763, OMIM 614464.

Allele frequency attached by ClinVar (database versions not stated): TOPMed 0.00004; ExAC 0.00006; gnomAD exomes 0.00006; gnomAD 0.00007.

Submissions (2):

Labcorp Genetics (formerly Invitae), Labcorp
Classification: Uncertain significance for Joubert syndrome 15. Last evaluated: 2025-11-17. Review status: criteria provided, single submitter. Criteria: Invitae Variant Classification Sherloc (09022015). Collection method: clinical testing. Allele origin: germline.
Comment: This sequence change replaces aspartic acid, which is acidic and polar, with glycine, which is neutral and non-polar, at codon 102 of the CEP41 protein (p.Asp102Gly). This variant is present in population databases (rs781835148, gnomAD 0.01%). This variant has not been reported in the literature in individuals affected with CEP41-related conditions. ClinVar contains an entry for this variant (Variation ID: 1053163). Invitae Evidence Modeling of protein sequence and biophysical properties (such as structural, functional, and spatial information, amino acid conservation, physicochemical variation, residue mobility, and thermodynamic stability) indicates that this missense variant is not expected to disrupt CEP41 protein function with a negative predictive value of 80%. In summary, the available evidence is currently insufficient to determine the role of this variant in disease. Therefore, it has been classified as a Variant of Uncertain Significance.

Blueprint Genetics
Classification: Uncertain significance. Last evaluated: 2024-11-25. Review status: criteria provided, single submitter. Criteria: ACMG Guidelines, 2015. Collection method: clinical testing. Allele origin: germline.